The following is an entry in ClinVar:

NM_003001.5(SDHC):c.450G>A (p.Gln150=)

Gene: SDHC (succinate dehydrogenase complex subunit C; plus strand). Cytogenetic location: 1q23.3.
Variant type: single nucleotide variant.
Coding change: c.450G>A on transcript NM_003001.5 (MANE Select); coding-DNA position 450, G replaced by A.
Protein change: p.Gln150=; no amino-acid change (glutamine 150 retained).
Molecular consequence: synonymous variant. On other transcripts: missense variant (3), non-coding transcript variant (1).
Genome position (GRCh38, 1-based): chr1:161,362,373, G>A. VCF-style: chr1-161362373-G-A. GRCh37 (hg19) VCF-style: chr1-161332163-G-A.
Other names: c.184G>A (NM_001278172.1); c.286G>A, p.Val96Ile (NM_001035511.3); c.348G>A, p.Gln116= (NM_001035512.3); c.291G>A, p.Gln97= (NM_001035513.3); c.184G>A, p.Val62Ile (NM_001278172.3); c.570G>A, p.Gln190= (NM_001407115.1); c.393G>A, p.Gln131= (NM_001407116.1); c.387G>A, p.Gln129= (NM_001407117.1); and 3 more; short protein forms V62I, V96I, V77I.
Identifiers: ClinVar variation 702858 (VCV000702858.20), dbSNP rs749159544, ClinGen allele CA047462.
Genomic context (GRCh38, chr1:161,362,373, plus strand): 5'-TTTGCTTTGTCCACAGATGTGGGACCTAGGAAAAGGCCTGAAGATTCCCCAGCTATACCA[G>A]TCTGGAGTGGTTGTCCTGGTTCTTACTGTGTTGTCCTCTATGGGGCTGGCAGCCATGTGA-3'
Protein context (NP_002992.1, residues 140-160): GKGLKIPQLY[Gln150=]SGVVVLVLTV

ClinVar aggregate classification (germline): Conflicting classifications of pathogenicity. Review status: criteria provided, conflicting classifications (1 of 4 stars). 7 submissions from 7 submitters: Uncertain significance (2); Benign (1); Likely benign (4). Last evaluated 2025-12-09.

Conditions:
Hereditary cancer-predisposing syndrome. Also called: Neoplastic Syndromes, Hereditary; Hereditary Cancer Syndrome; Hereditary neoplastic syndrome; Tumor predisposition. Identifiers: Orphanet 140162, MedGen C0027672, MeSH D009386, MONDO:0015356.
SDHC-related disorder. Also called: SDHC-related condition.
Gastrointestinal stromal tumor. Also called: Gastrointestinal stromal tumor, somatic; Gastrointestinal stroma tumor. Identifiers: Orphanet 44890, MedGen C0238198, MeSH D046152, MONDO:0011719, OMIM 606764, HP:0100723.
Pheochromocytoma/paraganglioma syndrome 3. Also called: SDHC-Related Hereditary Paraganglioma-Pheochromocytoma Syndrome (Paragangliomas 3); SDHC-Related Hereditary Paraganglioma-Pheochromocytoma Syndrome; GLOMUS TUMORS, FAMILIAL, 3; Paragangliomas 3. Identifiers: Orphanet 29072, MedGen C1854336, MONDO:0011544, OMIM 605373.
Hereditary pheochromocytoma and paraganglioma. Also called: Hereditary pheochromocytoma-paraganglioma; Hereditary Paraganglioma-Pheochromocytoma Syndromes; Hereditary paragangliomas and pheochromocytomas. Identifiers: Orphanet 29072, MedGen C4274332, MONDO:0017366.

Allele frequency attached by ClinVar (database versions not stated): gnomAD exomes below 0.00001 and 0.00001; ExAC 0.00002; TOPMed 0.00004; gnomAD 0.00005.
gnomAD v4.1: 11 of 1,612,790 alleles (0.00068%); highest among the groups gnomAD compares: African/African-American, 0.015%; no homozygotes.

Submissions (7):

Labcorp Genetics (formerly Invitae), Labcorp
Classification: Likely benign for Pheochromocytoma/paraganglioma syndrome 3; Gastrointestinal stromal tumor. Last evaluated: 2025-12-09. Review status: criteria provided, single submitter. Criteria: Invitae Variant Classification Sherloc (09022015). Collection method: clinical testing. Allele origin: germline.

Myriad Genetics, Inc.
Classification: Benign for Pheochromocytoma/paraganglioma syndrome 3. Last evaluated: 2025-03-17. Review status: criteria provided, single submitter. Criteria: Myriad Autosomal Dominant, Autosomal Recessive and X-Linked Classification Criteria (2023). Collection method: clinical testing. Allele origin: unknown.
Comment: This variant is considered benign. This variant is a silent/synonymous amino acid change and it is not expected to impact splicing.

All of Us Research Program, National Institutes of Health
Classification: Likely benign for Hereditary pheochromocytoma and paraganglioma. Last evaluated: 2023-08-15. Review status: criteria provided, single submitter. Criteria: ACMG Guidelines, 2015. Collection method: clinical testing. Allele origin: germline. Inheritance: Autosomal dominant inheritance. Observed: 2 variant alleles, 2 heterozygotes.
Comment: This study involves interpretation of variants in research participants for the purpose of population health screening. Participant phenotype was not available at the time of variant classification. Additional details can be found in publication PMID: 35346344, PMCID: PMC8962531

PreventionGenetics, part of Exact Sciences
Classification: Uncertain significance for SDHC-related condition. Last evaluated: 2023-05-10. Review status: criteria provided, single submitter. Criteria: ACMG Guidelines, 2015. Collection method: clinical testing. Allele origin: germline.
Comment: The SDHC c.184G>A variant is predicted to result in the amino acid substitution p.Val62Ile. To our knowledge, this variant has not been reported in the literature. This variant is reported in 0.020% of alleles in individuals of African descent in gnomAD. At this time, the clinical significance of this variant is uncertain due to the absence of conclusive functional and genetic evidence.

GeneDx
Classification: Uncertain significance. Last evaluated: 2022-11-15. Review status: criteria provided, single submitter. Criteria: GeneDx Variant Classification Process June 2021. Collection method: clinical testing. Allele origin: germline. Affected: yes.
Comment: In silico analysis supports that this variant does not alter splicing; Has not been previously published as pathogenic or benign to our knowledge

Color Diagnostics, LLC DBA Color Health
Classification: Likely benign for Hereditary pheochromocytoma and paraganglioma. Last evaluated: 2022-11-06. Review status: criteria provided, single submitter. Criteria: ACMG Guidelines, 2015. Collection method: clinical testing. Allele origin: germline.

Ambry Genetics
Classification: Likely benign for Hereditary cancer-predisposing syndrome. Last evaluated: 2018-04-20. Review status: criteria provided, single submitter. Criteria: Ambry Variant Classification Scheme 2023. Collection method: clinical testing. Allele origin: germline.